The following is an entry in ClinVar:

NM_000218.3(KCNQ1):c.1755C>G (p.Ser585Arg)

Gene: KCNQ1 (potassium voltage-gated channel subfamily Q member 1; plus strand). Cytogenetic location: 11p15.5.
Variant type: single nucleotide variant.
Coding change: c.1755C>G on transcript NM_000218.3 (MANE Select); coding-DNA position 1755, C replaced by G.
Protein change: p.Ser585Arg; replaces serine 585 with arginine.
Molecular consequence: missense variant.
Genome position (GRCh38, 1-based): chr11:2,777,998, C>G. VCF-style: chr11-2777998-C-G. GRCh37 (hg19) VCF-style: chr11-2799228-C-G.
Other names: c.1659C>G, p.Ser553Arg (NM_001406836.1); c.1485C>G, p.Ser495Arg (NM_001406837.1); c.1215C>G, p.Ser405Arg (NM_001406838.1); c.267C>G, p.Ser89Arg (NM_001406839.1); c.1374C>G, p.Ser458Arg (NM_181798.2); short protein forms S585R, S458R, S405R, S553R, S495R, S89R.
Identifiers: ClinVar variation 1416232 (VCV001416232.7), dbSNP rs1564889912, ClinGen allele CA379139677.

ClinVar aggregate classification (germline): Uncertain significance (1 of 4 stars; one submission).

Conditions:
Long QT syndrome (LQTS). Identifiers: MedGen C0023976, MeSH D008133, MONDO:0002442. Disease mechanism: loss of function. Inheritance: Various modes of inheritance.

Submission:

Labcorp Genetics (formerly Invitae), Labcorp
Classification: Uncertain significance for Long QT syndrome. Last evaluated: 2023-03-31. Review status: criteria provided, single submitter. Criteria: Invitae Variant Classification Sherloc (09022015). Collection method: clinical testing. Allele origin: germline.
Comment: Advanced modeling of protein sequence and biophysical properties (such as structural, functional, and spatial information, amino acid conservation, physicochemical variation, residue mobility, and thermodynamic stability) performed at Invitae indicates that this missense variant is not expected to disrupt KCNQ1 protein function. This sequence change replaces serine, which is neutral and polar, with arginine, which is basic and polar, at codon 585 of the KCNQ1 protein (p.Ser585Arg). This variant is not present in population databases (gnomAD no frequency). This variant has not been reported in the literature in individuals affected with KCNQ1-related conditions. ClinVar contains an entry for this variant (Variation ID: 1416232). In summary, the available evidence is currently insufficient to determine the role of this variant in disease. Therefore, it has been classified as a Variant of Uncertain Significance.